The following is an entry in ClinVar:

NM_000051.4(ATM):c.8303A>T (p.Glu2768Val)

Genes: ATM (ATM serine/threonine kinase; plus strand), C11orf65 (chromosome 11 open reading frame 65; minus strand). Cytogenetic location: 11q22.3.
Variant type: single nucleotide variant.
Coding change: c.8303A>T on transcript NM_000051.4 (MANE Select); coding-DNA position 8303, A replaced by T.
Protein change: p.Glu2768Val; replaces glutamic acid 2768 with valine.
Molecular consequence: missense variant. On other transcripts: intron variant (2).
Genome position (GRCh38, 1-based): chr11:108,343,256, A>T. VCF-style: chr11-108343256-A-T. GRCh37 (hg19) VCF-style: chr11-108213983-A-T.
Other names: c.8303A>T, p.Glu2768Val (NM_001351834.2); c.641-34185T>A (NM_001330368.2); c.695-7964T>A (NM_001351110.2); short protein forms E2768V.
Identifiers: ClinVar variation 1391153 (VCV001391153.9), dbSNP rs2136943134, ClinGen allele CA382516346.

ClinVar aggregate classification (germline): Uncertain significance. Review status: criteria provided, multiple submitters, no conflicts (2 of 4 stars). 2 submissions from 2 submitters: Uncertain significance (2). Last evaluated 2025-05-21.

Conditions:
Hereditary cancer-predisposing syndrome. Also called: Tumor predisposition; Neoplastic Syndromes, Hereditary; Hereditary Cancer Syndrome; Hereditary neoplastic syndrome. Identifiers: Orphanet 140162, MedGen C0027672, MeSH D009386, MONDO:0015356.
Ataxia-telangiectasia syndrome (AT). Also called: Ataxia-telangiectasia; LOUIS-BAR SYNDROME; Ataxia-telangiectasia, complementation group D; AT, COMPLEMENTATION GROUP C; ATAXIA-TELANGIECTASIA, COMPLEMENTATION GROUP A; ATAXIA-TELANGIECTASIA, FRESNO VARIANT. Identifiers: Orphanet 100, MedGen C0004135, MONDO:0008840, OMIM 208900.

Submissions (2):

Ambry Genetics
Classification: Uncertain significance for Hereditary cancer-predisposing syndrome. Last evaluated: 2025-05-21. Review status: criteria provided, single submitter. Criteria: Ambry Variant Classification Scheme 2023. Collection method: clinical testing. Allele origin: germline.
Comment: The p.E2768V variant (also known as c.8303A>T), located in coding exon 56 of the ATM gene, results from an A to T substitution at nucleotide position 8303. The glutamic acid at codon 2768 is replaced by valine, an amino acid with dissimilar properties. This amino acid position is highly conserved in available vertebrate species. In addition, this alteration is predicted to be deleterious by in silico analysis. Based on the available evidence, the clinical significance of this variant remains unclear.

Labcorp Genetics (formerly Invitae), Labcorp
Classification: Uncertain significance for Ataxia-telangiectasia syndrome. Last evaluated: 2024-10-23. Review status: criteria provided, single submitter. Criteria: Invitae Variant Classification Sherloc (09022015). Collection method: clinical testing. Allele origin: germline.
Comment: This sequence change replaces glutamic acid, which is acidic and polar, with valine, which is neutral and non-polar, at codon 2768 of the ATM protein (p.Glu2768Val). This variant is not present in population databases (gnomAD no frequency). This variant has not been reported in the literature in individuals affected with ATM-related conditions. ClinVar contains an entry for this variant (Variation ID: 1391153). Invitae Evidence Modeling of protein sequence and biophysical properties (such as structural, functional, and spatial information, amino acid conservation, physicochemical variation, residue mobility, and thermodynamic stability) indicates that this missense variant is expected to disrupt ATM protein function with a positive predictive value of 95%. In summary, the available evidence is currently insufficient to determine the role of this variant in disease. Therefore, it has been classified as a Variant of Uncertain Significance.